The following is an entry in ClinVar:

NM_001382347.1(MYO5A):c.2952G>C (p.Arg984=)

Gene: MYO5A (myosin VA; minus strand). Cytogenetic location: 15q21.2.
Variant type: single nucleotide variant.
Coding change: c.2952G>C on transcript NM_001382347.1 (MANE Select); coding-DNA position 2952, G replaced by C.
Protein change: p.Arg984=; no amino-acid change (arginine 984 retained).
Molecular consequence: synonymous variant.
Genome position (GRCh38, 1-based): chr15:52,370,283, C>G on the plus strand (G>C on the coding strand, the complement: MYO5A is on the minus strand). VCF-style: chr15-52370283-C-G. GRCh37 (hg19) VCF-style: chr15-52662480-C-G.
Other names: c.2952G>C, p.Arg984= (NM_000259.3, NM_001142495.2, NM_001411135.1); c.3024G>C, p.Arg1008= (NM_001382348.1, NM_001382349.1).
Identifiers: ClinVar variation 3234633 (VCV003234633.20), dbSNP rs1596357408, ClinGen allele CA490417638.

ClinVar aggregate classification (germline): Likely benign (1 of 4 stars; one submission).

Submission:

CeGaT Center for Human Genetics Tuebingen
Classification: Likely benign. Last evaluated: 2024-04-01. Review status: criteria provided, single submitter. Criteria: CeGaT Center For Human Genetics Tuebingen Variant Classification Criteria Version 2. Collection method: clinical testing. Allele origin: germline. Affected: yes. Observed: 1 variant allele.
Comment: MYO5A: PM2:Supporting, BP4, BP7